The following is an entry in ClinVar:

NM_003506.4(FZD6):c.1247G>A (p.Arg416Gln)

Gene: FZD6 (frizzled class receptor 6; plus strand). Cytogenetic location: 8q22.3.
Variant type: single nucleotide variant.
Coding change: c.1247G>A on transcript NM_003506.4 (MANE Select); coding-DNA position 1247, G replaced by A.
Protein change: p.Arg416Gln; replaces arginine 416 with glutamine.
Molecular consequence: missense variant. On other transcripts: non-coding transcript variant (1).
Genome position (GRCh38, 1-based): chr8:103,325,353, G>A. VCF-style: chr8-103325353-G-A. GRCh37 (hg19) VCF-style: chr8-104337581-G-A.
Other names: c.1247G>A, p.Arg416Gln (NM_001164615.2); c.1151G>A, p.Arg384Gln (NM_001164616.2); c.332G>A, p.Arg111Gln (NM_001317796.2); short protein forms R111Q, R384Q, R416Q.
Identifiers: ClinVar variation 5019857 (VCV005019857.2).
Genomic context (GRCh38, chr8:103,325,353, plus strand): 5'-TTCGACAAGTCATACAACATGATGGCCGGAACCAAGAAAAACTAAAGAAATTTATGATTC[G>A]AATTGGAGTCTTCAGCGGCTTGTATCTTGTGCCATTAGTGACACTTCTCGGATGTTACGT-3'
Protein context (NP_003497.2, residues 406-426): NQEKLKKFMI[Arg416Gln]IGVFSGLYLV

ClinVar aggregate classification (germline): Uncertain significance (1 of 4 stars; one submission).

Conditions:
Nonsyndromic congenital nail disorder 1. Also called: ONYCHODYSTROPHY TOTALIS, ISOLATED; CLAW-SHAPED NAILS; ONYCHAUXIS, HYPONYCHIA, AND ONYCHOLYSIS; NAIL DISORDER, NONSYNDROMIC CONGENITAL, 10; Twenty nail dystrophy. Identifiers: Orphanet 280654, Orphanet 79153, MedGen C0406443, MONDO:0008060, OMIM 161050.

gnomAD v4.1: 7 of 1,614,026 alleles (0.00043%); highest among the groups gnomAD compares: East Asian, 0.0022%; no homozygotes.

Submission:

Juno Genomics, Hangzhou Juno Genomics, Inc
Classification: Uncertain significance for Nonsyndromic congenital nail disorder 1. Review status: criteria provided, single submitter. Criteria: ACMG Guidelines, 2015. Collection method: clinical testing. Allele origin: germline.
Comment: Absent from controls (or at extremely low frequency if recessive) in Genome Aggregation Database.;Multiple lines of computational evidence support a deleterious effect on the gene or gene product.